The following is an entry in ClinVar:

NM_001382430.1(AKT1):c.539T>G (p.Ile180Ser)

Gene: AKT1 (AKT serine/threonine kinase 1; minus strand). Cytogenetic location: 14q32.33.
Variant type: single nucleotide variant.
Coding change: c.539T>G on transcript NM_001382430.1 (MANE Select); coding-DNA position 539, T replaced by G.
Protein change: p.Ile180Ser; replaces isoleucine 180 with serine.
Molecular consequence: missense variant.
Genome position (GRCh38, 1-based): chr14:104,775,104, A>C on the plus strand (T>G on the coding strand, the complement: AKT1 is on the minus strand). VCF-style: chr14-104775104-A-C. GRCh37 (hg19) VCF-style: chr14-105241441-A-C.
Other names: c.539T>G, p.Ile180Ser (NM_001014431.2, NM_001014432.2, NM_001382431.1 and 3 more transcripts); short protein forms I180S.
Identifiers: ClinVar variation 3519172 (VCV003519172.1).
Genomic context (GRCh38, chr14:104,775,104, plus strand): 5'-ATCTCCACCCTGCCCCACCGCCCCGGCCCCACCTTGGCCACGATGACTTCCTTCTTGAGG[A>C]TCTTCATGGCGTAGTAGCGGCCTGTGGCCTTCTCCTTCACCAGGATCACCTTGCCGAAAG-3'
Protein context (NP_001369359.1, residues 170-190): KATGRYYAMK[Ile180Ser]LKKEVIVAKD

ClinVar aggregate classification (germline): Uncertain significance (1 of 4 stars; one submission).

Conditions:
Inborn genetic diseases. Identifiers: MedGen C0950123, MeSH D030342.

Submission:

Ambry Genetics
Classification: Uncertain significance for Inborn genetic diseases. Last evaluated: 2024-12-06. Review status: criteria provided, single submitter. Criteria: Ambry Variant Classification Scheme 2023. Collection method: clinical testing. Allele origin: germline.
Comment: The p.I180S variant (also known as c.539T>G), located in coding exon 5 of the AKT1 gene, results from a T to G substitution at nucleotide position 539. The isoleucine at codon 180 is replaced by serine, an amino acid with dissimilar properties. This amino acid position is conserved. In addition, the in silico prediction for this alteration is inconclusive. Based on the available evidence, the clinical significance of this variant remains unclear.